The following is an entry in ClinVar:

ClinVar aggregate classification (germline): Uncertain significance (1 of 4 stars; one submission).

Conditions:
Hereditary nonpolyposis colorectal neoplasms. Identifiers: MedGen C0009405, MeSH D003123.

Submission:

Labcorp Genetics (formerly Invitae), Labcorp
Classification: Uncertain significance for Hereditary nonpolyposis colorectal neoplasms. Last evaluated: 2020-10-23. Review status: criteria provided, single submitter. Criteria: Invitae Variant Classification Sherloc (09022015). Collection method: clinical testing. Allele origin: germline.
Comment: In summary, the available evidence is currently insufficient to determine the role of this variant in disease. Therefore, it has been classified as a Variant of Uncertain Significance. Advanced modeling of protein sequence and biophysical properties (such as structural, functional, and spatial information, amino acid conservation, physicochemical variation, residue mobility, and thermodynamic stability) performed at Invitae indicates that this missense variant is not expected to disrupt PMS2 protein function. This variant has not been reported in the literature in individuals with PMS2-related conditions. This variant is not present in population databases (ExAC no frequency). This sequence change replaces asparagine with lysine at codon 368 of the PMS2 protein (p.Asn368Lys). The asparagine residue is moderately conserved and there is a moderate physicochemical difference between asparagine and lysine.

NM_000535.7(PMS2):c.1104C>G (p.Asn368Lys)

Gene: PMS2 (PMS1 homolog 2, mismatch repair system component; minus strand). Cytogenetic location: 7p22.1.
Variant type: single nucleotide variant.
Coding change: c.1104C>G on transcript NM_000535.7 (MANE Select); coding-DNA position 1104, C replaced by G.
Protein change: p.Asn368Lys; replaces asparagine 368 with lysine.
Molecular consequence: missense variant. On other transcripts: non-coding transcript variant (1), intron variant (2).
Genome position (GRCh38, 1-based): chr7:5,989,840, G>C on the plus strand (C>G on the coding strand, the complement: PMS2 is on the minus strand). VCF-style: chr7-5989840-G-C. GRCh37 (hg19) VCF-style: chr7-6029471-G-C.
Other names: c.699C>G, p.Asn233Lys (NM_001322003.2, NM_001322004.2, NM_001322005.2 and 1 more transcripts); c.786C>G, p.Asn262Lys (NM_001322007.2, NM_001322008.2); c.171C>G, p.Asn57Lys (NM_001322011.2, NM_001322012.2); c.531C>G, p.Asn177Lys (NM_001322013.2); c.1104C>G, p.Asn368Lys (NM_001322014.2); c.795C>G, p.Asn265Lys (NM_001322015.2); c.583+2133C>G (NM_001322010.2); c.988+2133C>G (NM_001322006.2); short protein forms N57K, N177K, N262K, N368K, N233K, N265K.
Identifiers: ClinVar variation 1043370 (VCV001043370.8), dbSNP rs1554298686, ClinGen allele CA366742799.